The following is an entry in ClinVar:

NM_016247.4(IMPG2):c.1749C>G (p.Ser583Arg)

Gene: IMPG2 (interphotoreceptor matrix proteoglycan 2; minus strand). Cytogenetic location: 3q12.3.
Variant type: single nucleotide variant.
Coding change: c.1749C>G on transcript NM_016247.4 (MANE Select); coding-DNA position 1749, C replaced by G.
Protein change: p.Ser583Arg; replaces serine 583 with arginine.
Molecular consequence: missense variant.
Genome position (GRCh38, 1-based): chr3:101,244,582, G>C on the plus strand (C>G on the coding strand, the complement: IMPG2 is on the minus strand). VCF-style: chr3-101244582-G-C. GRCh37 (hg19) VCF-style: chr3-100963426-G-C.
Other names: short protein forms S583R.
Identifiers: ClinVar variation 1522101 (VCV001522101.8), dbSNP rs2107220737, ClinGen allele CA353860195.

ClinVar aggregate classification (germline): Uncertain significance (1 of 4 stars; one submission).

Submission:

Labcorp Genetics (formerly Invitae), Labcorp
Classification: Uncertain significance. Last evaluated: 2021-04-02. Review status: criteria provided, single submitter. Criteria: Invitae Variant Classification Sherloc (09022015). Collection method: clinical testing. Allele origin: germline.
Comment: In summary, the available evidence is currently insufficient to determine the role of this variant in disease. Therefore, it has been classified as a Variant of Uncertain Significance. Algorithms developed to predict the effect of missense changes on protein structure and function (SIFT, PolyPhen-2, Align-GVGD) all suggest that this variant is likely to be tolerated, but these predictions have not been confirmed by published functional studies and their clinical significance is uncertain. This variant has not been reported in the literature in individuals with IMPG2-related conditions. This variant is not present in population databases (ExAC no frequency). This sequence change replaces serine with arginine at codon 583 of the IMPG2 protein (p.Ser583Arg). The serine residue is highly conserved and there is a moderate physicochemical difference between serine and arginine.